The following is an entry in ClinVar:

NM_000275.3(OCA2):c.1706_1707insT (p.Ala570fs)

Gene: OCA2 (OCA2 melanosomal transmembrane protein; minus strand). Cytogenetic location: 15q13.1.
Variant type: Insertion.
Coding change: c.1706_1707insT on transcript NM_000275.3 (MANE Select); coding-DNA positions 1706 to 1707, T inserted.
Protein change: p.Ala570fs; shifts the reading frame from alanine 570.
Molecular consequence: frameshift variant.
Genome position: GRCh38 VCF-style: chr15-27957665-T-TA. GRCh37 (hg19) VCF-style: chr15-28202811-T-TA.
Other names: c.1634_1635insT, p.Ala546fs (NM_001300984.2); short protein forms A546fs, A570fs.
Identifiers: ClinVar variation 1526109 (VCV001526109.1), dbSNP rs2140704811, ClinGen allele CA2573150569.

ClinVar aggregate classification (germline): Likely pathogenic (1 of 4 stars; one submission).

Conditions:
Tyrosinase-positive oculocutaneous albinism (OCA2). Also called: ALBINISM II; Oculocutaneous albinism type 2; Albinism, oculocutaneous, type II. Identifiers: Orphanet 79432, MedGen C0268495, MONDO:0008746, OMIM 203200.

Submission:

3billion
Classification: Likely pathogenic for Tyrosinase-positive oculocutaneous albinism. Last evaluated: 2022-03-22. Review status: criteria provided, single submitter. Criteria: ACMG Guidelines, 2015. Collection method: clinical testing. Allele origin: germline. Affected: yes. Observed: 1 heterozygote.
Comment: Frameshift: predicted to result in a loss or disruption of normal protein function through nonsense-mediated decay (NMD) or protein truncation. Multiple pathogenic variants are reported downstream of the variant.It is not observed in the gnomAD v2.1.1 dataset. Therefore, this variant is classified as likely pathogenic according to the recommendation of ACMG/AMP guideline.